The following is an entry in ClinVar:

NC_012920.1(MT-ND5):m.14000T>A

Gene: MT-ND5 (mitochondrially encoded NADH dehydrogenase 5; plus strand).
Variant type: single nucleotide variant.
Genome position: chrM-14000-T-A.
Identifiers: ClinVar variation 235700 (VCV000235700.4), dbSNP rs28359185, ClinGen allele CA10581405.

ClinVar aggregate classification (germline): Benign/Likely benign. Review status: criteria provided, multiple submitters, no conflicts (2 of 4 stars). 2 submissions from 2 submitters: Benign (1); Likely benign (1). Last evaluated 2019-10-17.

Conditions:
Leigh syndrome (NULS). Also called: Leigh Syndrome (mtDNA deletion); Leigh's syndrome; LEIGH SYNDROME, NUCLEAR; Leigh Disease; Subacute necrotizing encephalopathy; Necrotizing encephalopathy infantile subacute of Leigh. Identifiers: Orphanet 506, MedGen C2931891, MONDO:0009723, OMIM 256000.

Submissions (2):

Wong Mito Lab, Molecular and Human Genetics, Baylor College of Medicine
Classification: Benign for Leigh syndrome. Last evaluated: 2019-10-17. Review status: criteria provided, single submitter. Criteria: Modified ACMG Guidelines (Unpublished). Collection method: clinical testing. Allele origin: germline.
Comment: The NC_012920.1:m.14000T>A (YP_003024036.1:p.Leu555Gln) variant in MTND5 gene is interpretated to be a Benign variant based on the modified ACMG guidelines (unpublished). This variant meets the following evidence codes: BA1

Center for Pediatric Genomic Medicine, Children's Mercy Hospital and Clinics
Classification: Likely benign. Last evaluated: 2015-08-12. Review status: criteria provided, single submitter. Criteria: ACMG Guidelines, 2015. Collection method: clinical testing. Allele origin: germline.
ClinVar note: Converted during submission from Likely Benign to Likely benign.